The following is an entry in ClinVar:

ClinVar aggregate classification (germline): Uncertain significance (1 of 4 stars; one submission).

gnomAD v4.1: 1 of 1,614,162 alleles (0.000062%); highest among the groups gnomAD compares: African/African-American, 0.0013%; no homozygotes.

Submission:

GeneDx
Classification: Uncertain significance. Last evaluated: 2025-08-09. Review status: criteria provided, single submitter. Criteria: GeneDx Variant Classification Process June 2021. Collection method: clinical testing. Allele origin: germline. Affected: yes.
Comment: Not observed at significant frequency in large population cohorts (gnomAD); Has not been previously published as pathogenic or benign to our knowledge; Nonsense variant predicted to result in protein truncation or nonsense mediated decay in a gene or region of a gene for which loss-of-function is not an established mechanism of disease

NM_001111067.4(ACVR1):c.222T>G (p.Tyr74Ter)

Gene: ACVR1 (activin A receptor type 1; minus strand). Cytogenetic location: 2q24.1.
Variant type: single nucleotide variant.
Coding change: c.222T>G on transcript NM_001111067.4 (MANE Select); coding-DNA position 222, T replaced by G.
Protein change: p.Tyr74Ter; replaces tyrosine 74 with a stop codon.
Molecular consequence: nonsense.
Genome position (GRCh38, 1-based): chr2:157,780,446, A>C on the plus strand (T>G on the coding strand, the complement: ACVR1 is on the minus strand). VCF-style: chr2-157780446-A-C. GRCh37 (hg19) VCF-style: chr2-158636958-A-C.
Other names: c.222T>G, p.Tyr74Ter (NM_001105.5, NM_001347663.1, NM_001347664.1 and 3 more transcripts); short protein forms Y74*.
Identifiers: ClinVar variation 4755686 (VCV004755686.1).